The following is an entry in ClinVar:

NM_015662.3(IFT172):c.5179T>C (p.Cys1727Arg)

Genes: IFT172 (intraflagellar transport 172; minus strand), KRTCAP3 (keratinocyte associated protein 3; plus strand). Cytogenetic location: 2p23.3.
Variant type: single nucleotide variant.
Coding change: c.5179T>C on transcript NM_015662.3 (MANE Select); coding-DNA position 5179, T replaced by C.
Protein change: p.Cys1727Arg; replaces cysteine 1727 with arginine.
Molecular consequence: missense variant. On other transcripts: intron variant (1).
Genome position (GRCh38, 1-based): chr2:27,444,503, A>G on the plus strand (T>C on the coding strand, the complement: IFT172 is on the minus strand). VCF-style: chr2-27444503-A-G. GRCh37 (hg19) VCF-style: chr2-27667370-A-G.
Other names: c.5113T>C, p.Cys1705Arg (NM_001410739.1); c.*5+442A>G (NM_001168364.2); short protein forms C1727R, C1705R.
Identifiers: ClinVar variation 97022 (VCV000097022.19), dbSNP rs149614625, ClinGen allele CA149722.

ClinVar aggregate classification (germline): Pathogenic. Review status: criteria provided, multiple submitters, no conflicts (2 of 4 stars). 7 submissions from 7 submitters: Pathogenic (5). 2 of the submissions do not count toward it. Last evaluated 2024-08-30.

Conditions:
Bardet-Biedl syndrome 20. Identifiers: MedGen C4310707, MONDO:0023670, OMIM 619471, MONDO:0014926.
Retinitis pigmentosa 71 (RP71). Identifiers: Orphanet 791, MedGen C4225342, MONDO:0014618, OMIM 616394.
Short-rib thoracic dysplasia 10 with or without polydactyly (SRTD10). Identifiers: Orphanet 474, MedGen C3810175, MONDO:0014284, OMIM 615630.
IFT172-related disorder. Also called: IFT172-related disorders; IFT172-related condition.
Retinitis pigmentosa (RP). Identifiers: Orphanet 791, MedGen C0035334, MeSH D012174, MONDO:0019200, OMIM 268000. Inheritance: Autosomal dominant, autosomal recessive and X linked inheritance.

Allele frequency attached by ClinVar (database versions not stated): gnomAD exomes 0.00001 and 0.00004; gnomAD 0.00004; TOPMed 0.00005; ExAC 0.00001; ESP Exome Variant Server 0.00008.
gnomAD v4.1: 62 of 1,613,514 alleles (0.0038%); highest among the groups gnomAD compares: Non-Finnish European, 0.0049%; no homozygotes.

Submissions (7):

Labcorp Genetics (formerly Invitae), Labcorp
Classification: Pathogenic for Retinitis pigmentosa 71; Short-rib thoracic dysplasia 10 with or without polydactyly. Last evaluated: 2024-08-30. Review status: criteria provided, single submitter. Criteria: Invitae Variant Classification Sherloc (09022015). Collection method: clinical testing. Allele origin: germline.
Comment: This sequence change replaces cysteine, which is neutral and slightly polar, with arginine, which is basic and polar, at codon 1727 of the IFT172 protein (p.Cys1727Arg). This variant is present in population databases (rs149614625, gnomAD 0.003%). This missense change has been observed in individual(s) with skeletal ciliopathies and Mainzer-Saldino syndrome (PMID: 24140113, 25664603). In at least one individual the data is consistent with being in trans (on the opposite chromosome) from a pathogenic variant. It has also been observed to segregate with disease in related individuals. ClinVar contains an entry for this variant (Variation ID: 97022). Invitae Evidence Modeling of protein sequence and biophysical properties (such as structural, functional, and spatial information, amino acid conservation, physicochemical variation, residue mobility, and thermodynamic stability) indicates that this missense variant is expected to disrupt IFT172 protein function with a positive predictive value of 80%. For these reasons, this variant has been classified as Pathogenic.

Blueprint Genetics
Classification: Pathogenic for IFT172-related disorders. Last evaluated: 2024-06-04. Review status: criteria provided, single submitter. Criteria: ACMG Guidelines, 2015. Collection method: clinical testing. Allele origin: germline. Affected: yes. Observed: 3 variant alleles.

Fulgent Genetics
Classification: Pathogenic for Short-rib thoracic dysplasia 10 with or without polydactyly; Retinitis pigmentosa 71; Bardet-Biedl syndrome 20. Last evaluated: 2024-05-25. Review status: criteria provided, single submitter. Criteria: ACMG Guidelines, 2015. Collection method: clinical testing. Allele origin: germline.

Broad Center for Mendelian Genomics, Broad Institute of MIT and Harvard
Classification: Pathogenic for Retinitis pigmentosa. Last evaluated: 2021-04-01. Review status: criteria provided, single submitter. Criteria: ACMG Guidelines, 2015. Collection method: curation. Allele origin: germline. Inheritance: Autosomal recessive inheritance. Affected: yes.
Comment: Through a review of available evidence we were able to apply the following criteria: PM2, PP3, PS3, PP1, PM3. Based on this evidence we have classified this variant as Pathogenic. If you have any questions about the classification please reach out to the Pierce Lab.

Victorian Clinical Genetics Services, Murdoch Childrens Research Institute
Classification: Pathogenic for Short-rib thoracic dysplasia 10 with or without polydactyly. Last evaluated: 2018-07-27. Review status: criteria provided, single submitter. Criteria: ACMG Guidelines, 2015. Collection method: clinical testing. Allele origin: unknown. Affected: yes.
Comment: A heterozygous missense variant, NM_015662.1(IFT172):c.5179T>C, has been identified in exon 48 of 48 of the IFT172 gene. The variant is predicted to result in a major amino acid change from cysteine to arginine at position 1727 of the protein (NP_056477.1(IFT172):p.(Cys1727Arg)). The cysteine at this position has moderate conservation (100 vertebrates, UCSC), but is not located within a well established functional domain. In silico predictions for this variant are consistently pathogenic (Polyphen, SIFT, CADD, Mutation Taster). This variant is present in the gnomAD database at a frequency of 0.0014% (4 heterozygotes and 0 homozygotes). It has been previously described as pathogenic in multiple cases and segregated with the disease in one family (Halbritter J. et al. (2013), McIerney A. et al. (2014)). Additionally, examination of cultured patient fibroblast showed significant decrease in adenylyl cyclase III (Halbritter J. et al. 2013). Based on the information available at the time of curation, this variant has been classified as PATHOGENIC.

PreventionGenetics, part of Exact Sciences
Classification: Pathogenic for IFT172-related condition. Last evaluated: 2024-06-27. Review status: no assertion criteria provided. Collection method: clinical testing. Allele origin: germline. Not counted in ClinVar's aggregate classification.
Comment: The IFT172 c.5179T>C variant is predicted to result in the amino acid substitution p.Cys1727Arg. This variant was reported in multiple patients with asphyxiating thoracic dystrophy and Mainzer-Saldino syndrome (Halbritter et al. 2013. PubMed ID: 24140113; Lucas-Herald et al. 2015. PubMed ID: 25664603). This variant is reported in 0.0031% of alleles in individuals of European (Non-Finnish) descent in gnomAD. This variant is interpreted as pathogenic.

OMIM
Classification: Pathogenic for SHORT-RIB THORACIC DYSPLASIA 10 WITH OR WITHOUT POLYDACTYLY. Last evaluated: 2013-11-07. Review status: no assertion criteria provided. Collection method: literature only. Allele origin: germline. Not counted in ClinVar's aggregate classification.

Literature cited by the submitters: PubMed 24140113 (cited by 3 submitters); PubMed 25664603 (cited by Labcorp Genetics (formerly Invitae), Labcorp and Broad Center for Mendelian Genomics, Broad Institute of MIT and Harvard); PubMed 34906470 (cited by Broad Center for Mendelian Genomics, Broad Institute of MIT and Harvard); PubMed 11030072 (cited by Broad Center for Mendelian Genomics, Broad Institute of MIT and Harvard and OMIM).